The following is an entry in ClinVar:

ClinVar aggregate classification (germline): Uncertain significance. Review status: criteria provided, multiple submitters, no conflicts (2 of 4 stars). 3 submissions from 3 submitters: Uncertain significance (3). Last evaluated 2024-03-06.

Conditions:
Juvenile polyposis syndrome (JPS). Identifiers: Orphanet 2929, MedGen C0345893, MONDO:0017380, OMIM 174900.
Hereditary cancer-predisposing syndrome. Also called: Hereditary Cancer Syndrome; Hereditary neoplastic syndrome; Neoplastic Syndromes, Hereditary; Tumor predisposition. Identifiers: Orphanet 140162, MedGen C0027672, MeSH D009386, MONDO:0015356.

Submissions (3):

Color Diagnostics, LLC DBA Color Health
Classification: Uncertain significance for Hereditary cancer-predisposing syndrome. Last evaluated: 2024-03-06. Review status: criteria provided, single submitter. Criteria: ACMG Guidelines, 2015. Collection method: clinical testing. Allele origin: germline.
Comment: This missense variant replaces phenylalanine with leucine at codon 422 of the BMPR1A protein. Computational prediction suggests that this variant may not impact protein structure and function (internally defined REVEL score threshold <= 0.5, PMID: 27666373). Splice site prediction tools suggest that this variant may not impact RNA splicing. To our knowledge, functional studies have not been performed for this variant. This variant has not been reported in individuals affected with hereditary cancer in the literature. This variant has not been identified in the general population by the Genome Aggregation Database (gnomAD). The available evidence is insufficient to determine the role of this variant in disease conclusively. Therefore, this variant is classified as a Variant of Uncertain Significance.

Ambry Genetics
Classification: Uncertain significance for Hereditary cancer-predisposing syndrome. Last evaluated: 2022-09-01. Review status: criteria provided, single submitter. Criteria: Ambry Variant Classification Scheme 2023. Collection method: clinical testing. Allele origin: germline.
Comment: The p.F422L variant (also known as c.1266C>G), located in coding exon 9 of the BMPR1A gene, results from a C to G substitution at nucleotide position 1266. The phenylalanine at codon 422 is replaced by leucine, an amino acid with highly similar properties. This amino acid position is conserved. In addition, the in silico prediction for this alteration is inconclusive. Since supporting evidence is limited at this time, the clinical significance of this alteration remains unclear.

Labcorp Genetics (formerly Invitae), Labcorp
Classification: Uncertain significance for Juvenile polyposis syndrome. Last evaluated: 2020-06-29. Review status: criteria provided, single submitter. Criteria: Invitae Variant Classification Sherloc (09022015). Collection method: clinical testing. Allele origin: germline.
Comment: This sequence change replaces phenylalanine with leucine at codon 422 of the BMPR1A protein (p.Phe422Leu). The phenylalanine residue is highly conserved and there is a small physicochemical difference between phenylalanine and leucine. This variant is not present in population databases (ExAC no frequency). This variant has not been reported in the literature in individuals with BMPR1A-related conditions. Algorithms developed to predict the effect of missense changes on protein structure and function are either unavailable or do not agree on the potential impact of this missense change (SIFT: "Deleterious"; PolyPhen-2: "Benign"; Align-GVGD: "Class C15"). In summary, the available evidence is currently insufficient to determine the role of this variant in disease. Therefore, it has been classified as a Variant of Uncertain Significance.

NM_004329.3(BMPR1A):c.1266C>G (p.Phe422Leu)

Gene: BMPR1A (bone morphogenetic protein receptor type 1A; plus strand). Cytogenetic location: 10q23.2.
Variant type: single nucleotide variant.
Coding change: c.1266C>G on transcript NM_004329.3 (MANE Select); coding-DNA position 1266, C replaced by G.
Protein change: p.Phe422Leu; replaces phenylalanine 422 with leucine.
Molecular consequence: missense variant.
Genome position (GRCh38, 1-based): chr10:86,921,619, C>G. VCF-style: chr10-86921619-C-G. GRCh37 (hg19) VCF-style: chr10-88681376-C-G.
Other names: short protein forms F422L.
Identifiers: ClinVar variation 924941 (VCV000924941.15), dbSNP rs786202823, ClinGen allele CA377462167.